The following is an entry in ClinVar:

NM_001378454.1(ALMS1):c.7538dup (p.His2513fs)

Gene: ALMS1 (ALMS1 centrosome and basal body associated protein; plus strand). Cytogenetic location: 2p13.1.
Variant type: Duplication.
Coding change: c.7538dup on transcript NM_001378454.1 (MANE Select); coding-DNA position 7538, one base duplicated (A; older notation c.7538dupA).
Protein change: p.His2513fs; shifts the reading frame from histidine 2513.
Molecular consequence: frameshift variant.
Genome position (GRCh38, 1-based): chr2:73,454,065, A duplicated. VCF-style (leftmost placement, unchanged base first): chr2-73454064-C-CA. GRCh37 (hg19) VCF-style: chr2-73681191-C-CA.
Other names: c.7541dup, p.His2514fs (NM_015120.4); short protein forms H2513fs, H2514fs.
Identifiers: ClinVar variation 4815800 (VCV004815800.1).
Genomic context (GRCh38, chr2:73,454,064, plus strand): 5'-CTGAATCATGCTAAAGAAATACTCAGAAATGCAGAGGAAGAGGAAAGCCGGGTACGAGCA[C>CA]ATGGTAAGAAGAAAGTTTCAGGCTTATAAACGTTATAGTTTAATAATGTGTTTAAAGTTA-3'

ClinVar aggregate classification (germline): Likely pathogenic (1 of 4 stars; one submission).

Conditions:
Alstrom syndrome (ALMS). Identifiers: Orphanet 64, MedGen C0268425, MONDO:0008763, OMIM 203800.

Submission:

Natera, Inc.
Classification: Likely pathogenic for Alstrom syndrome. Last evaluated: 2025-11-28. Review status: criteria provided, single submitter. Criteria: Natera Variant Classification Schema (03/2026). Collection method: clinical testing. Allele origin: germline.
Comment: The c.7541dup variant in ALMS1 is a frameshift variant predicted to shift the reading frame beginning at codon 2514 and leads to a stop codon 12 codons downstream. This variant is expected to result in nonsense mediated decay, truncation, or a dysfunctional protein product. This variant is rare in the general population with a frequency below the threshold expected for the associated phenotype(s). Given the available evidence, this variant is classified as Likely Pathogenic.